The following is an entry in ClinVar:

ClinVar aggregate classification (germline): Benign (0 of 4 stars; one submission).

Conditions:
ALPK2-related disorder. Also called: ALPK2-related condition.

Allele frequency attached by ClinVar (database versions not stated): ESP Exome Variant Server 0.11349; 1000 Genomes Project 30x 0.07152; 1000 Genomes Project 0.07208; TOPMed 0.09757; gnomAD 0.10029; ExAC 0.10511.
gnomAD v4.1: 199,522 of 1,613,860 alleles (12%); highest among the groups gnomAD compares: Middle Eastern, 15%; 13,314 homozygotes.

Submission:

PreventionGenetics, part of Exact Sciences
Classification: Benign for ALPK2-related condition. Last evaluated: 2019-10-21. Review status: no assertion criteria provided. Collection method: clinical testing. Allele origin: germline.
Comment: This variant is classified as benign based on ACMG/AMP sequence variant interpretation guidelines (Richards et al. 2015 PMID: 25741868, with internal and published modifications).

NM_052947.4(ALPK2):c.5299C>T (p.His1767Tyr)

Genes: ALPK2 (alpha kinase 2; minus strand), LOC130062577 (ATAC-STARR-seq lymphoblastoid active region 13389; plus strand). Cytogenetic location: 18q21.31.
Variant type: single nucleotide variant.
Coding change: c.5299C>T on transcript NM_052947.4 (MANE Select); coding-DNA position 5299, C replaced by T.
Protein change: p.His1767Tyr; replaces histidine 1767 with tyrosine.
Molecular consequence: missense variant.
Genome position (GRCh38, 1-based): chr18:58,534,888, G>A on the plus strand (C>T on the coding strand, the complement: ALPK2 is on the minus strand). VCF-style: chr18-58534888-G-A. GRCh37 (hg19) VCF-style: chr18-56202120-G-A.
Other names: short protein forms H1767Y.
Identifiers: ClinVar variation 3060663 (VCV003060663.2), dbSNP rs7234999, ClinGen allele CA8976549.
Genomic context (GRCh38, chr18:58,534,888, plus strand): 5'-CCTCACCTCTTCCTTCTCTTTTGCAAGATGGCTTTTTTGGGTCTTGTTTCTCTTCTGTGT[G>A]TGATAATGATGTTTCGAGTTTGGGCATCTTTTTAAGAAAGGCTGAGTTCTTTCTGATATT-3'
Protein context (NP_443179.3, residues 1757-1777): KMPKLETSLS[His1767Tyr]TEEKQDPKKP